The following is an entry in ClinVar:

NM_001330360.2(POLA1):c.793G>C (p.Glu265Gln)

Gene: POLA1 (DNA polymerase alpha 1, catalytic subunit; plus strand). Cytogenetic location: Xp22.11.
Variant type: single nucleotide variant.
Coding change: c.793G>C on transcript NM_001330360.2 (MANE Select); coding-DNA position 793, G replaced by C.
Protein change: p.Glu265Gln; replaces glutamic acid 265 with glutamine.
Molecular consequence: missense variant. On other transcripts: non-coding transcript variant (2).
Genome position (GRCh38, 1-based): chrX:24,717,376, G>C. VCF-style: chrX-24717376-G-C. GRCh37 (hg19) VCF-style: chrX-24735493-G-C.
Other names: c.793G>C, p.Glu265Gln (NM_001378303.1, NM_001440806.1); c.775G>C, p.Glu259Gln (NM_016937.4); short protein forms E259Q, E265Q.
Identifiers: ClinVar variation 4744216 (VCV004744216.1).

ClinVar aggregate classification (germline): Uncertain significance (1 of 4 stars; one submission).

gnomAD v4.1: 1 of 1,208,792 alleles (0.000083%); highest among the groups gnomAD compares: African/African-American, 0.0017%; no homozygotes.

Submission:

Labcorp Genetics (formerly Invitae), Labcorp
Classification: Uncertain significance. Last evaluated: 2025-11-03. Review status: criteria provided, single submitter. Criteria: Invitae Variant Classification Sherloc (09022015). Collection method: clinical testing. Allele origin: germline.
Comment: This sequence change replaces glutamic acid, which is acidic and polar, with glutamine, which is neutral and polar, at codon 259 of the POLA1 protein (p.Glu259Gln). This variant is not present in population databases (gnomAD no frequency). This variant has not been reported in the literature in individuals affected with POLA1-related conditions. Invitae Evidence Modeling of protein sequence and biophysical properties (such as structural, functional, and spatial information, amino acid conservation, physicochemical variation, residue mobility, and thermodynamic stability) indicates that this missense variant is not expected to disrupt POLA1 protein function with a negative predictive value of 80%. In summary, the available evidence is currently insufficient to determine the role of this variant in disease. Therefore, it has been classified as a Variant of Uncertain Significance.